The following is an entry in ClinVar:

ClinVar aggregate classification (germline): Uncertain significance (1 of 4 stars; one submission).

Conditions:
DYRK1B-related disorder. Also called: DYRK1B-related condition.

gnomAD v4.1: 1 of 1,600,520 alleles (0.000062%); highest among the groups gnomAD compares: Non-Finnish European, 0.000085%; no homozygotes.

Submission:

PreventionGenetics, part of Exact Sciences
Classification: Uncertain significance for DYRK1B-related condition. Last evaluated: 2026-08-14. Review status: criteria provided, single submitter. Criteria: ACMG Guidelines, 2015. Collection method: clinical testing. Allele origin: germline.
Comment: The DYRK1B c.1409C>G variant is predicted to result in the amino acid substitution p.Ser470Cys. To our knowledge, this variant has not been reported in the literature or in a large population database (gnomAD), indicating this variant is rare. At this time, the clinical significance of this variant is uncertain due to the absence of conclusive functional and genetic evidence.

NM_004714.3(DYRK1B):c.1409C>G (p.Ser470Cys)

Gene: DYRK1B (dual specificity tyrosine phosphorylation regulated kinase 1B; minus strand). Cytogenetic location: 19q13.2.
Variant type: single nucleotide variant.
Coding change: c.1409C>G on transcript NM_004714.3 (MANE Select); coding-DNA position 1409, C replaced by G.
Protein change: p.Ser470Cys; replaces serine 470 with cysteine.
Molecular consequence: missense variant.
Genome position (GRCh38, 1-based): chr19:39,826,674, G>C on the plus strand (C>G on the coding strand, the complement: DYRK1B is on the minus strand). VCF-style: chr19-39826674-G-C. GRCh37 (hg19) VCF-style: chr19-40317314-G-C.
Other names: c.1289C>G, p.Ser430Cys (NM_006483.3); c.1325C>G, p.Ser442Cys (NM_006484.3); short protein forms S442C, S470C, S430C.
Identifiers: ClinVar variation 4992518 (VCV004992518.1).
Genomic context (GRCh38, chr19:39,826,674, plus strand): 5'-AGGCCAAACCTGAGCAGCCCCCACCCGTTGTACCCCATTTGGGCACCTGGGCACCCACCA[G>C]AACTGGAGATGGAGCTGGCGGTGCTGGAAGAGGGGCAGGTGTCGAGGGGCGCGGGCGAGG-3'
Protein context (NP_004705.1, residues 460-480): SSSTASSISS[Ser470Cys]GGSSGSSSDN